The following is an entry in ClinVar:

NM_000053.4(ATP7B):c.4205T>G (p.Val1402Gly)

Gene: ATP7B (ATPase copper transporting beta; minus strand). Cytogenetic location: 13q14.3.
Variant type: single nucleotide variant.
Coding change: c.4205T>G on transcript NM_000053.4 (MANE Select); coding-DNA position 4205, T replaced by G.
Protein change: p.Val1402Gly; replaces valine 1402 with glycine.
Molecular consequence: missense variant.
Genome position (GRCh38, 1-based): chr13:51,934,949, A>C on the plus strand (T>G on the coding strand, the complement: ATP7B is on the minus strand). VCF-style: chr13-51934949-A-C. GRCh37 (hg19) VCF-style: chr13-52509085-A-C.
Other names: c.3584T>G, p.Val1195Gly (NM_001005918.3); c.3872T>G, p.Val1291Gly (NM_001243182.2); c.3971T>G, p.Val1324Gly (NM_001330578.2, NM_001406527.1, NM_001406528.1); c.3953T>G, p.Val1318Gly (NM_001330579.2, NM_001406531.1, NM_001406532.1); c.4205T>G, p.Val1402Gly (NM_001406511.1, NM_001406512.1); c.4199T>G, p.Val1400Gly (NM_001406513.1); c.4172T>G, p.Val1391Gly (NM_001406514.1); c.4151T>G, p.Val1384Gly (NM_001406515.1, NM_001406516.1); and 21 more; short protein forms V1121G, V1175G, V1186G, V1195G, V1208G, V1238G, V1240G, V1253G.
Identifiers: ClinVar variation 3071509 (VCV003071509.1), dbSNP rs2547542708, ClinGen allele CA388019589.
Genomic context (GRCh38, chr13:51,934,949, plus strand): 5'-ACCTGGTCCCATGGTGTGGCCCTGGGGGAGTCCCGCCACCTGTCATCCATGCCTATGTGC[A>C]CACTGACCTGGGATGCCGTCAGGGGCTTCATGTGGCCATGCGCCTGTGCCTCATACCTCT-3'
Protein context (NP_000044.2, residues 1392-1412): MKPLTASQVS[Val1402Gly]HIGMDDRWRD

ClinVar aggregate classification (germline): Uncertain significance (1 of 4 stars; one submission).

Conditions:
Wilson disease (WND). Also called: Wilson's disease. Identifiers: Orphanet 905, MedGen C0019202, MONDO:0010200, OMIM 277900. Disease mechanism: loss of function.

Submission:

All of Us Research Program, National Institutes of Health
Classification: Uncertain significance for Wilson disease. Last evaluated: 2023-06-08. Review status: criteria provided, single submitter. Criteria: ACMG Guidelines, 2015. Collection method: clinical testing. Allele origin: germline. Inheritance: Autosomal recessive inheritance. Observed: 1 variant allele, 1 heterozygote.
Comment: This missense variant replaces valine with glycine at codon 1402 of the ATP7B protein. Computational prediction suggests that this variant may have deleterious impact on protein structure and function (internally defined REVEL score threshold >= 0.7, PMID: 27666373). To our knowledge, functional studies have not been reported for this variant. This variant has not been reported in individuals affected with ATP7B-related disorders in the literature. This variant has not been identified in the general population by the Genome Aggregation Database (gnomAD). The available evidence is insufficient to determine the role of this variant in disease conclusively. Therefore, this variant is classified as a Variant of Uncertain Significance.

This study involves interpretation of variants in research participants for the purpose of population health screening. Participant phenotype was not available at the time of variant classification. Additional details can be found in publication PMID: 35346344, PMCID: PMC8962531